The following continues an entry in ClinVar:

NM_000132.4(F8):c.1834C>T (p.Arg612Cys)

Gene: F8. ClinVar aggregate classification (germline): Pathogenic. Pathogenic (1).

Submissions 10 to 17 of 17:

Women's Health and Genetics/Laboratory Corporation of America, LabCorp
Classification: Pathogenic for Familial aortopathy. Last evaluated: 2024-03-08. Review status: criteria provided, single submitter. Criteria: LabCorp Variant Classification Summary - May 2015. Collection method: clinical testing. Allele origin: germline. Not counted in ClinVar's aggregate classification.

Blueprint Genetics
Classification: Pathogenic for F8-related disorders. Last evaluated: 2022-11-01. Review status: criteria provided, single submitter. Criteria: ACMG Guidelines, 2015. Collection method: clinical testing. Allele origin: germline. Affected: yes. Observed: 2 variant alleles. Not counted in ClinVar's aggregate classification.

Genetics and Molecular Pathology, SA Pathology
Classification: Pathogenic for Hereditary factor VIII deficiency disease. Last evaluated: 2022-06-15. Review status: criteria provided, single submitter. Criteria: ACMG Guidelines, 2015. Collection method: clinical testing. Allele origin: germline. Inheritance: X-linked recessive inheritance. Affected: yes. Not counted in ClinVar's aggregate classification.
Comment: PS3, PS4, PP3, PP5

Mendelics
Classification: Pathogenic for Thrombophilia, X-linked, due to factor 8 defect. Last evaluated: 2022-05-04. Review status: criteria provided, single submitter. Criteria: Mendelics Assertion Criteria 2019. Collection method: clinical testing. Allele origin: germline. Not counted in ClinVar's aggregate classification.

NIHR Bioresource Rare Diseases, University of Cambridge
Classification: Pathogenic for Hereditary factor IX deficiency disease. Last evaluated: 2019-02-01. Review status: criteria provided, single submitter. Criteria: ACMG Guidelines, 2015. Collection method: research. Allele origin: unknown. Affected: yes. Observed: 3 hemizygotes. Study: ThromboGenomics. Not counted in ClinVar's aggregate classification.

Juno Genomics, Hangzhou Juno Genomics, Inc
Classification: Pathogenic for Hereditary factor VIII deficiency disease; Thrombophilia, X-linked, due to factor 8 defect. Review status: criteria provided, single submitter. Criteria: ACMG Guidelines, 2015. Collection method: clinical testing. Allele origin: germline. Not counted in ClinVar's aggregate classification.
Comment: Absent from controls (or at extremely low frequency if recessive) in Genome Aggregation Database.;Multiple lines of computational evidence support a deleterious effect on the gene or gene product.;The prevalence of the variant in affected individuals is significantly increased compared to the prevalence in controls.;Co-segregation with disease in multiple affected family members.;Patient's phenotype or family history is highly specific for a disease with a single genetic etiology.

OMIM
Classification: Pathogenic for HEMOPHILIA A. Last evaluated: 1995-01-01. Review status: no assertion criteria provided. Collection method: literature only. Allele origin: germline. Not counted in ClinVar's aggregate classification.

ISTH-SSC Genomics in Thrombosis and Hemostasis, KU Leuven, Center for Molecular and Vascular Biology
Classification: Pathogenic for Hereditary factor VIII deficiency disease. Review status: no assertion criteria provided. Collection method: research. Allele origin: unknown. Affected: yes. Not counted in ClinVar's aggregate classification.
Comment: Submitted to GoldVariant by Dr Karyn Mégy from NIHR Bioresource - Cambridge University, UK

Literature cited by the submitters: PubMed 9292523 (cited by Variantyx, Inc. and Mayo Clinic Laboratories, Mayo Clinic); PubMed 18691168 (cited by Variantyx, Inc.); PubMed 29296726 (cited by Variantyx, Inc.); PubMed 10691849 (cited by Mayo Clinic Laboratories, Mayo Clinic); PubMed 17610560 (cited by Mayo Clinic Laboratories, Mayo Clinic); PubMed 1908096 (cited by Mayo Clinic Laboratories, Mayo Clinic and OMIM); PubMed 19302446 (cited by Mayo Clinic Laboratories, Mayo Clinic); PubMed 19548904 (cited by Mayo Clinic Laboratories, Mayo Clinic and Women's Health and Genetics/Laboratory Corporation of America, LabCorp); PubMed 27943580 (cited by Mayo Clinic Laboratories, Mayo Clinic); PubMed 32166871 (cited by Mayo Clinic Laboratories, Mayo Clinic); PubMed 32897612 (cited by Mayo Clinic Laboratories, Mayo Clinic); PubMed 33245802 (cited by Mayo Clinic Laboratories, Mayo Clinic); PubMed 35014236 (cited by Mayo Clinic Laboratories, Mayo Clinic); PubMed 38196513 (cited by Mayo Clinic Laboratories, Mayo Clinic); PubMed 23711237 (cited by Women's Health and Genetics/Laboratory Corporation of America, LabCorp); PubMed 31064749 (cited by NIHR Bioresource Rare Diseases, University of Cambridge); PubMed 8281136 (cited by OMIM); PubMed 1301932 (cited by OMIM); PubMed 7728145 (cited by OMIM).